The following is an entry in ClinVar:

ClinVar aggregate classification (germline): Uncertain significance (1 of 4 stars; one submission).

Conditions:
Multiple endocrine neoplasia, type 2 (MEN2). Identifiers: Orphanet 653, MedGen C4048306, MONDO:0019003. Disease mechanism: gain of function.

Submission:

Labcorp Genetics (formerly Invitae), Labcorp
Classification: Uncertain significance for Multiple endocrine neoplasia, type 2. Last evaluated: 2025-07-13. Review status: criteria provided, single submitter. Criteria: Invitae Variant Classification Sherloc (09022015). Collection method: clinical testing. Allele origin: germline.
Comment: This sequence change falls in intron 19 of the RET gene. It does not directly change the encoded amino acid sequence of the RET protein. It affects a nucleotide within the consensus splice site. This variant is not present in population databases (gnomAD no frequency). This variant has not been reported in the literature in individuals affected with RET-related conditions. ClinVar contains an entry for this variant (Variation ID: 2773138). Variants that disrupt the consensus splice site are a relatively common cause of aberrant splicing (PMID: 17576681, 9536098). Algorithms developed to predict the effect of sequence changes on RNA splicing suggest that this variant is not likely to affect RNA splicing. In summary, the available evidence is currently insufficient to determine the role of this variant in disease. Therefore, it has been classified as a Variant of Uncertain Significance.

Literature cited by the submitters: PubMed 17576681; PubMed 9536098.

NM_020975.6(RET):c.3187+6A>G

Gene: RET (ret proto-oncogene; plus strand). Cytogenetic location: 10q11.21.
Variant type: single nucleotide variant.
Coding change: c.3187+6A>G on transcript NM_020975.6 (MANE Select); 6 bases into the intron after coding-DNA position 3187, A replaced by G.
Molecular consequence: intron variant. On other transcripts: missense variant (18).
Genome position (GRCh38, 1-based): chr10:43,126,728, A>G. VCF-style: chr10-43126728-A-G. GRCh37 (hg19) VCF-style: chr10-43622176-A-G.
Other names: c.2431A>G, p.Ile811Val (NM_001355216.2); c.3064A>G, p.Ile1022Val (NM_001406764.1); c.3058A>G, p.Ile1020Val (NM_001406765.1); c.2929A>G, p.Ile977Val (NM_001406768.1); c.2905A>G, p.Ile969Val (NM_001406770.1); c.2797A>G, p.Ile933Val (NM_001406772.1); c.2755A>G, p.Ile919Val (NM_001406773.1); c.2668A>G, p.Ile890Val (NM_001406774.1); and 24 more; short protein forms I1065V, I582V, I630V, I811V, I823V, I890V, I969V, I977V.
Identifiers: ClinVar variation 2773138 (VCV002773138.3), dbSNP rs2538646231, ClinGen allele CA376558578.
Genomic context (GRCh38, chr10:43,126,728, plus strand): 5'-AATGCCCCCCTCCCTCGAGCCCTCCCTTCCACATGGATTGAAAACAAACTCTATGGTAGA[A>G]TTTCCCATGCATTTACTAGATTCTAGCACCGCTGTCCCCTTTGCACTATCCTTCCTCTCT-3'